The following is an entry in ClinVar:

NM_001014.5(RPS10):c.457A>G (p.Arg153Gly)

Genes: RPS10 (ribosomal protein S10; minus strand), RPS10-NUDT3 (RPS10-NUDT3 readthrough; minus strand). Cytogenetic location: 6p21.31.
Variant type: single nucleotide variant.
Coding change: c.457A>G on transcript NM_001014.5 (MANE Select); coding-DNA position 457, A replaced by G.
Protein change: p.Arg153Gly; replaces arginine 153 with glycine.
Molecular consequence: missense variant. On other transcripts: intron variant (1).
Genome position (GRCh38, 1-based): chr6:34,417,547, T>C on the plus strand (A>G on the coding strand, the complement: RPS10 is on the minus strand). VCF-style: chr6-34417547-T-C. GRCh37 (hg19) VCF-style: chr6-34385324-T-C.
Other names: c.457A>G, p.Arg153Gly (NM_001203245.3, NM_001204091.2); c.456+822A>G (NM_001202470.3); short protein forms R153G.
Identifiers: ClinVar variation 2820912 (VCV002820912.3), dbSNP rs2533003916, ClinGen allele CA363885616.

ClinVar aggregate classification (germline): Uncertain significance (1 of 4 stars; one submission).

Conditions:
Diamond-Blackfan anemia. Also called: Blackfan Diamond syndrome; Aregenerative anemia chronic congenital; Red cell aplasia, pure hereditary; Congenital hypoplastic anemia; Aase syndrome. Identifiers: Orphanet 124, MedGen C1260899, MeSH D029503, MONDO:0015253, HP:0004810.

Allele frequency attached by ClinVar (database versions not stated): gnomAD exomes below 0.00001.
gnomAD v4.1: 1 of 1,613,556 alleles (0.000062%); highest among the groups gnomAD compares: Non-Finnish European, 0.000085%; no homozygotes.

Submission:

Labcorp Genetics (formerly Invitae), Labcorp
Classification: Uncertain significance for Diamond-Blackfan anemia. Last evaluated: 2023-09-25. Review status: criteria provided, single submitter. Criteria: Invitae Variant Classification Sherloc (09022015). Collection method: clinical testing. Allele origin: germline.
Comment: This variant has not been reported in the literature in individuals affected with RPS10-related conditions. This variant is not present in population databases (gnomAD no frequency). This sequence change replaces arginine, which is basic and polar, with glycine, which is neutral and non-polar, at codon 153 of the RPS10 protein (p.Arg153Gly). Experimental studies and prediction algorithms are not available or were not evaluated, and the functional significance of this variant is currently unknown. In summary, the available evidence is currently insufficient to determine the role of this variant in disease. Therefore, it has been classified as a Variant of Uncertain Significance.